The following is an entry in ClinVar:

NM_033380.3(COL4A5):c.1691G>A (p.Gly564Asp)

Gene: COL4A5 (collagen type IV alpha 5 chain; plus strand). Cytogenetic location: Xq22.3.
Variant type: single nucleotide variant.
Coding change: c.1691G>A on transcript NM_033380.3 (MANE Select); coding-DNA position 1691, G replaced by A.
Protein change: p.Gly564Asp; replaces glycine 564 with aspartic acid.
Molecular consequence: missense variant.
Genome position (GRCh38, 1-based): chrX:108,597,480, G>A. VCF-style: chrX-108597480-G-A. GRCh37 (hg19) VCF-style: chrX-107840710-G-A.
Other names: c.1691G>A, p.Gly564Asp (NM_000495.5); short protein forms G564D.
Identifiers: ClinVar variation 4857278 (VCV004857278.1).

ClinVar aggregate classification (germline): Pathogenic (1 of 4 stars; one submission).

Conditions:
X-linked Alport syndrome (ATS1). Also called: NEPHROPATHY AND DEAFNESS, X-LINKED; COL4A5-Related Nephropathy. Identifiers: Orphanet 63, Orphanet 88917, MedGen C4746986, MONDO:0010520, OMIM 301050.

Submission:

MVZ Medizinische Genetik Mainz
Classification: Pathogenic for X-linked Alport syndrome. Last evaluated: 2026-05-18. Review status: criteria provided, single submitter. Criteria: UK Practice Guidelines For Variant Classification V4 01 2020. Collection method: clinical testing. Allele origin: germline. Inheritance: X-linked dominant inheritance. Affected: yes. Observed: 1 variant allele.
Comment: ACMG Criteria: PM1_STR,PM5,PS4_SUP,PM2_SUP,PP3,PP4